The following is an entry in ClinVar:

NM_001128840.3(CACNA1D):c.3168-6C>T

Gene: CACNA1D (calcium voltage-gated channel subunit alpha1 D; plus strand). Cytogenetic location: 3p21.1.
Variant type: single nucleotide variant.
Coding change: c.3168-6C>T on transcript NM_001128840.3 (MANE Select); 6 bases into the intron before coding-DNA position 3168, C replaced by T.
Molecular consequence: intron variant.
Genome position (GRCh38, 1-based): chr3:53,747,296, C>T. VCF-style: chr3-53747296-C-T. GRCh37 (hg19) VCF-style: chr3-53781323-C-T.
Other names: c.3228-6C>T (NM_000720.3, NM_000720.4); c.3168-6C>T (NM_001128839.3).
Identifiers: ClinVar variation 1935772 (VCV001935772.12), dbSNP rs72556355, ClinGen allele CA908234240.
Genomic context (GRCh38, chr3:53,747,296, plus strand): 5'-CAACTTTACGCTGCTTCCACCTGTCATGTGTGAAGCCAGACGACCCACACCTGTTTTCCT[C>T]TCCAGGGGACTTTTCATCCTCTACAAGGATGGGGATGTTGACAGTCCTGTGGTCCGTGAA-3'

ClinVar aggregate classification (germline): Likely benign. Review status: criteria provided, multiple submitters, no conflicts (2 of 4 stars). 3 submissions from 3 submitters: Likely benign (2). 1 of the submissions does not count toward it. Last evaluated 2025-12-01.

Conditions:
CACNA1D-related disorder.

gnomAD v4.1: 2 of 1,613,742 alleles (0.00012%); highest among the groups gnomAD compares: African/African-American, 0.0027%; no homozygotes.

Submissions (3):

CeGaT Center for Human Genetics Tuebingen
Classification: Likely benign. Last evaluated: 2025-12-01. Review status: criteria provided, single submitter. Criteria: CeGaT Center For Human Genetics Tuebingen Variant Classification Criteria Version 2. Collection method: clinical testing. Allele origin: germline. Affected: yes. Observed: 1 variant allele.
Comment: CACNA1D: BP4

Labcorp Genetics (formerly Invitae), Labcorp
Classification: Likely benign. Last evaluated: 2023-11-15. Review status: criteria provided, single submitter. Criteria: Invitae Variant Classification Sherloc (09022015). Collection method: clinical testing. Allele origin: germline.

PreventionGenetics, part of Exact Sciences
Classification: Likely benign for CACNA1D-related condition. Last evaluated: 2019-03-25. Review status: no assertion criteria provided. Collection method: clinical testing. Allele origin: germline. Not counted in ClinVar's aggregate classification.
Comment: This variant is classified as likely benign based on ACMG/AMP sequence variant interpretation guidelines (Richards et al. 2015 PMID: 25741868, with internal and published modifications).